The following is an entry in ClinVar:

NM_014254.3(RXYLT1):c.569T>C (p.Ile190Thr)

Gene: RXYLT1 (ribitol xylosyltransferase 1; plus strand). Cytogenetic location: 12q14.2.
Variant type: single nucleotide variant.
Coding change: c.569T>C on transcript NM_014254.3 (MANE Select); coding-DNA position 569, T replaced by C.
Protein change: p.Ile190Thr; replaces isoleucine 190 with threonine.
Molecular consequence: missense variant. On other transcripts: 5 prime UTR variant (1).
Genome position (GRCh38, 1-based): chr12:63,802,231, T>C. VCF-style: chr12-63802231-T-C. GRCh37 (hg19) VCF-style: chr12-64196011-T-C.
Other names: c.-212T>C (NM_001278237.2); short protein forms I190T.
Identifiers: ClinVar variation 2091416 (VCV002091416.4), dbSNP rs2500519731, ClinGen allele CA385657872.

ClinVar aggregate classification (germline): Uncertain significance (1 of 4 stars; one submission).

Submission:

Labcorp Genetics (formerly Invitae), Labcorp
Classification: Uncertain significance. Last evaluated: 2022-07-12. Review status: criteria provided, single submitter. Criteria: Invitae Variant Classification Sherloc (09022015). Collection method: clinical testing. Allele origin: germline.
Comment: This variant has not been reported in the literature in individuals affected with RXYLT1-related conditions. This variant is not present in population databases (gnomAD no frequency). This sequence change replaces isoleucine, which is neutral and non-polar, with threonine, which is neutral and polar, at codon 190 of the RXYLT1 protein (p.Ile190Thr). Algorithms developed to predict the effect of missense changes on protein structure and function output the following: SIFT: "Tolerated"; PolyPhen-2: "Benign"; Align-GVGD: "Class C0". The threonine amino acid residue is found in multiple mammalian species, which suggests that this missense change does not adversely affect protein function. In summary, the available evidence is currently insufficient to determine the role of this variant in disease. Therefore, it has been classified as a Variant of Uncertain Significance.